The following is an entry in ClinVar:

ClinVar aggregate classification (germline): Conflicting classifications of pathogenicity. Review status: criteria provided, conflicting classifications (1 of 4 stars). 2 submissions from 2 submitters: Uncertain significance (1); Likely benign (1). Last evaluated 2025-05-02.

Conditions:
Inborn genetic diseases. Identifiers: MedGen C0950123, MeSH D030342.

Allele frequency attached by ClinVar (database versions not stated): gnomAD exomes 0.00001 and below 0.00001; gnomAD 0.00001; TOPMed 0.00003.
gnomAD v4.1: 6 of 1,607,472 alleles (0.00037%); highest among the groups gnomAD compares: Admixed American, 0.0084%; no homozygotes.

Submissions (2):

Ambry Genetics
Classification: Likely benign for Inborn genetic diseases. Last evaluated: 2025-05-02. Review status: criteria provided, single submitter. Criteria: Ambry Variant Classification Scheme 2023. Collection method: clinical testing. Allele origin: germline.

Labcorp Genetics (formerly Invitae), Labcorp
Classification: Uncertain significance. Last evaluated: 2023-12-11. Review status: criteria provided, single submitter. Criteria: Invitae Variant Classification Sherloc (09022015). Collection method: clinical testing. Allele origin: germline.
Comment: This sequence change replaces asparagine, which is neutral and polar, with serine, which is neutral and polar, at codon 1937 of the RTTN protein (p.Asn1937Ser). This variant is present in population databases (no rsID available, gnomAD 0.003%). This variant has not been reported in the literature in individuals affected with RTTN-related conditions. ClinVar contains an entry for this variant (Variation ID: 1362890). Advanced modeling of protein sequence and biophysical properties (such as structural, functional, and spatial information, amino acid conservation, physicochemical variation, residue mobility, and thermodynamic stability) performed at Invitae indicates that this missense variant is not expected to disrupt RTTN protein function with a negative predictive value of 80%. In summary, the available evidence is currently insufficient to determine the role of this variant in disease. Therefore, it has been classified as a Variant of Uncertain Significance.

NM_173630.4(RTTN):c.5810A>G (p.Asn1937Ser)

Gene: RTTN (rotatin; minus strand). Cytogenetic location: 18q22.2.
Variant type: single nucleotide variant.
Coding change: c.5810A>G on transcript NM_173630.4 (MANE Select); coding-DNA position 5810, A replaced by G.
Protein change: p.Asn1937Ser; replaces asparagine 1937 with serine.
Molecular consequence: missense variant.
Genome position (GRCh38, 1-based): chr18:70,028,737, T>C on the plus strand (A>G on the coding strand, the complement: RTTN is on the minus strand). VCF-style: chr18-70028737-T-C. GRCh37 (hg19) VCF-style: chr18-67695973-T-C.
Other names: c.3074A>G, p.Asn1025Ser (NM_001318520.2); c.5810A>G (NM_173630.3); short protein forms N1025S, N1937S.
Identifiers: ClinVar variation 1362890 (VCV001362890.8), dbSNP rs1421920938, ClinGen allele CA402686415.